The following is an entry in ClinVar:

NM_006031.6(PCNT):c.4180G>A (p.Glu1394Lys)

Gene: PCNT (pericentrin; plus strand). Cytogenetic location: 21q22.3.
Variant type: single nucleotide variant.
Coding change: c.4180G>A on transcript NM_006031.6 (MANE Select); coding-DNA position 4180, G replaced by A.
Protein change: p.Glu1394Lys; replaces glutamic acid 1394 with lysine.
Molecular consequence: missense variant.
Genome position (GRCh38, 1-based): chr21:46,391,340, G>A. VCF-style: chr21-46391340-G-A. GRCh37 (hg19) VCF-style: chr21-47811255-G-A.
Other names: c.3826G>A, p.Glu1276Lys (NM_001315529.2); short protein forms E1276K, E1394K.
Identifiers: ClinVar variation 3349108 (VCV003349108.1).

ClinVar aggregate classification (germline): Uncertain significance (0 of 4 stars; one submission).

Conditions:
PCNT-related disorder. Also called: PCNT-related condition.

gnomAD v4.1: 3 of 1,556,092 alleles (0.00019%); highest among the groups gnomAD compares: Non-Finnish European, 0.00017%; no homozygotes.

Submission:

PreventionGenetics, part of Exact Sciences
Classification: Uncertain significance for PCNT-related condition. Last evaluated: 2023-12-27. Review status: no assertion criteria provided. Collection method: clinical testing. Allele origin: germline.
Comment: The PCNT c.4180G>A variant is predicted to result in the amino acid substitution p.Glu1394Lys. To our knowledge, this variant has not been reported in the literature. This variant is reported in 0.0017% of alleles in individuals of European (Non-Finnish) descent in gnomAD. At this time, the clinical significance of this variant is uncertain due to the absence of conclusive functional and genetic evidence.